The following is an entry in ClinVar:

ClinVar aggregate classification (germline): Uncertain significance (1 of 4 stars; one submission).

Conditions:
Fanconi anemia complementation group J. Also called: BRIP1-Related Fanconi Anemia. Identifiers: Orphanet 84, MedGen C1836860, MONDO:0012187, OMIM 609054.
Familial cancer of breast. Also called: BREAST CANCER, FAMILIAL; Hereditary breast cancer; hereditary breast carcinoma. Identifiers: Orphanet 227535, MedGen C0346153, MONDO:0016419, OMIM 114480. Disease mechanism: loss of function.

Submission:

Labcorp Genetics (formerly Invitae), Labcorp
Classification: Uncertain significance for Familial cancer of breast; Fanconi anemia complementation group J. Last evaluated: 2023-05-21. Review status: criteria provided, single submitter. Criteria: Invitae Variant Classification Sherloc (09022015). Collection method: clinical testing. Allele origin: germline.
Comment: This sequence change replaces leucine, which is neutral and non-polar, with glutamine, which is neutral and polar, at codon 792 of the BRIP1 protein (p.Leu792Gln). This variant is not present in population databases (gnomAD no frequency). In summary, the available evidence is currently insufficient to determine the role of this variant in disease. Therefore, it has been classified as a Variant of Uncertain Significance. Advanced modeling of protein sequence and biophysical properties (such as structural, functional, and spatial information, amino acid conservation, physicochemical variation, residue mobility, and thermodynamic stability) performed at Invitae indicates that this missense variant is expected to disrupt BRIP1 protein function. This variant has not been reported in the literature in individuals affected with BRIP1-related conditions.

NM_032043.3(BRIP1):c.2375T>A (p.Leu792Gln)

Gene: BRIP1 (BRCA1 interacting DNA helicase 1; minus strand). Cytogenetic location: 17q23.2.
Variant type: single nucleotide variant.
Coding change: c.2375T>A on transcript NM_032043.3 (MANE Select); coding-DNA position 2375, T replaced by A.
Protein change: p.Leu792Gln; replaces leucine 792 with glutamine.
Molecular consequence: missense variant.
Genome position (GRCh38, 1-based): chr17:61,743,017, A>T on the plus strand (T>A on the coding strand, the complement: BRIP1 is on the minus strand). VCF-style: chr17-61743017-A-T. GRCh37 (hg19) VCF-style: chr17-59820378-A-T.
Other names: short protein forms L792Q.
Identifiers: ClinVar variation 2948026 (VCV002948026.3), dbSNP rs2144675069, ClinGen allele CA400482529.